The following is an entry in ClinVar:

ClinVar aggregate classification (germline): Uncertain significance. Review status: criteria provided, multiple submitters, no conflicts (2 of 4 stars). 2 submissions from 2 submitters: Uncertain significance (2). Last evaluated 2024-08-21.

Conditions:
Renal cell carcinoma. Identifiers: Orphanet 217071, MedGen C0007134, MeSH D002292, MONDO:0005086, HP:0005584.
Hereditary cancer-predisposing syndrome. Also called: Tumor predisposition; Hereditary Cancer Syndrome; Neoplastic Syndromes, Hereditary; Hereditary neoplastic syndrome. Identifiers: Orphanet 140162, MedGen C0027672, MeSH D009386, MONDO:0015356.

gnomAD v4.1: 1 of 1,613,520 alleles (0.000062%); no homozygotes.

Submissions (2):

Ambry Genetics
Classification: Uncertain significance for Hereditary cancer-predisposing syndrome. Last evaluated: 2024-08-21. Review status: criteria provided, single submitter. Criteria: Ambry Variant Classification Scheme 2023. Collection method: clinical testing. Allele origin: germline.
Comment: The c.2941+3G>A intronic variant results from a G to A substitution 3 nucleotides after coding exon 12 in the MET gene. This nucleotide position is not well conserved in available vertebrate species. In silico splice site analysis predicts that this alteration will not have any significant effect on splicing. Based on the available evidence, the clinical significance of this variant remains unclear.

Labcorp Genetics (formerly Invitae), Labcorp
Classification: Uncertain significance for Renal cell carcinoma. Last evaluated: 2022-11-01. Review status: criteria provided, single submitter. Criteria: Invitae Variant Classification Sherloc (09022015). Collection method: clinical testing. Allele origin: germline.
Comment: This sequence change falls in intron 13 of the MET gene. It does not directly change the encoded amino acid sequence of the MET protein. It affects a nucleotide within the consensus splice site. This variant is not present in population databases (gnomAD no frequency). This variant has not been reported in the literature in individuals affected with MET-related conditions. Variants that disrupt the consensus splice site are a relatively common cause of aberrant splicing (PMID: 17576681, 9536098). Algorithms developed to predict the effect of sequence changes on RNA splicing suggest that this variant is not likely to affect RNA splicing. In summary, the available evidence is currently insufficient to determine the role of this variant in disease. Therefore, it has been classified as a Variant of Uncertain Significance.

Literature cited by the submitters: PubMed 17576681 (cited by Labcorp Genetics (formerly Invitae), Labcorp); PubMed 9536098 (cited by Labcorp Genetics (formerly Invitae), Labcorp).

NM_000245.4(MET):c.2887+3G>A

Gene: MET (MET proto-oncogene, receptor tyrosine kinase; plus strand). Cytogenetic location: 7q31.2.
Variant type: single nucleotide variant.
Coding change: c.2887+3G>A on transcript NM_000245.4 (MANE Select); 3 bases into the intron after coding-DNA position 2887, G replaced by A.
Molecular consequence: intron variant.
Genome position (GRCh38, 1-based): chr7:116,771,657, G>A. VCF-style: chr7-116771657-G-A. GRCh37 (hg19) VCF-style: chr7-116411711-G-A.
Other names: c.2941+3G>A (NM_001127500.3, NM_001127500.1); c.1597+3G>A (NM_001324402.2).
Identifiers: ClinVar variation 2417967 (VCV002417967.4), dbSNP rs2116993318, ClinGen allele CA2580076348.